The following is an entry in ClinVar:

NM_000553.6(WRN):c.2453T>A (p.Val818Asp)

Gene: WRN (WRN RecQ like helicase; plus strand). Cytogenetic location: 8p12.
Variant type: single nucleotide variant.
Coding change: c.2453T>A on transcript NM_000553.6 (MANE Select); coding-DNA position 2453, T replaced by A.
Protein change: p.Val818Asp; replaces valine 818 with aspartic acid.
Molecular consequence: missense variant.
Genome position (GRCh38, 1-based): chr8:31,120,247, T>A. VCF-style: chr8-31120247-T-A. GRCh37 (hg19) VCF-style: chr8-30977763-T-A.
Other names: short protein forms V818D.
Identifiers: ClinVar variation 953396 (VCV000953396.5), dbSNP rs1801671388, ClinGen allele CA370915166.

ClinVar aggregate classification (germline): Uncertain significance (1 of 4 stars; one submission).

Conditions:
Werner syndrome (WRN). Identifiers: Orphanet 902, MedGen C0043119, MONDO:0010196, OMIM 277700.

Submission:

Labcorp Genetics (formerly Invitae), Labcorp
Classification: Uncertain significance for Werner syndrome. Last evaluated: 2019-09-28. Review status: criteria provided, single submitter. Criteria: Invitae Variant Classification Sherloc (09022015). Collection method: clinical testing. Allele origin: germline.
Comment: In summary, the available evidence is currently insufficient to determine the role of this variant in disease. Therefore, it has been classified as a Variant of Uncertain Significance. Algorithms developed to predict the effect of missense changes on protein structure and function (SIFT, PolyPhen-2, Align-GVGD) all suggest that this variant is likely to be disruptive, but these predictions have not been confirmed by published functional studies and their clinical significance is uncertain. This variant has not been reported in the literature in individuals with WRN-related conditions. This variant is not present in population databases (ExAC no frequency). This sequence change replaces valine with aspartic acid at codon 818 of the WRN protein (p.Val818Asp). The valine residue is moderately conserved and there is a large physicochemical difference between valine and aspartic acid.